The following is an entry in ClinVar:

NM_001365276.2(TNXB):c.9661G>C (p.Val3221Leu)

Gene: TNXB (tenascin XB; minus strand). Cytogenetic location: 6p21.33.
Variant type: single nucleotide variant.
Coding change: c.9661G>C on transcript NM_001365276.2 (MANE Select); coding-DNA position 9661, G replaced by C.
Protein change: p.Val3221Leu; replaces valine 3221 with leucine.
Molecular consequence: missense variant.
Genome position (GRCh38, 1-based): chr6:32,049,366, C>G on the plus strand (G>C on the coding strand, the complement: TNXB is on the minus strand). VCF-style: chr6-32049366-C-G. GRCh37 (hg19) VCF-style: chr6-32017143-C-G.
Other names: c.10402G>C, p.Val3468Leu (NM_001428335.1); c.9655G>C, p.Val3219Leu (NM_019105.8); short protein forms V3219L, V3221L, V3468L.
Identifiers: ClinVar variation 3227368 (VCV003227368.2), dbSNP rs367685759, ClinGen allele CA3733453.

ClinVar aggregate classification (germline): Uncertain significance. Review status: criteria provided, multiple submitters, no conflicts (2 of 4 stars). 2 submissions from 2 submitters: Uncertain significance (2). Last evaluated 2025-12-02.

Conditions:
Cardiovascular phenotype. Identifiers: MedGen CN230736.

gnomAD v4.1: 7 of 1,612,400 alleles (0.00043%); highest among the groups gnomAD compares: Non-Finnish European, 0.00059%; no homozygotes.

Submissions (2):

Women's Health and Genetics/Laboratory Corporation of America, LabCorp
Classification: Uncertain significance. Last evaluated: 2025-12-02. Review status: criteria provided, single submitter. Criteria: LabCorp Variant Classification Summary - May 2015. Collection method: clinical testing. Allele origin: germline.
Comment: Variant summary: TNXB c.9655G>C (p.Val3219Leu) results in a conservative amino acid change in the encoded protein sequence. Algorithms developed to predict the effect of missense changes on protein structure and function all suggest that this variant is likely to be tolerated. The variant allele was found at a frequency of 4e-06 in 247064 control chromosomes. The available data on variant occurrences in the general population are insufficient to allow any conclusion about variant significance. To our knowledge, no occurrence of c.9655G>C in individuals affected with TNXB-related conditions and no experimental evidence demonstrating its impact on protein function have been reported. ClinVar contains an entry for this variant (Variation ID: 3227368). Based on the evidence outlined above, the variant was classified as uncertain significance.

Ambry Genetics
Classification: Uncertain significance for Cardiovascular phenotype. Last evaluated: 2023-10-08. Review status: criteria provided, single submitter. Criteria: Ambry Variant Classification Scheme 2023. Collection method: clinical testing. Allele origin: germline.
Comment: The p.V3219L variant (also known as c.9655G>C), located in coding exon 27 of the TNXB gene, results from a G to C substitution at nucleotide position 9655. The valine at codon 3219 is replaced by leucine, an amino acid with highly similar properties. This amino acid position is conserved. In addition, this alteration is predicted to be tolerated by in silico analysis. Since supporting evidence is limited at this time, the clinical significance of this alteration remains unclear.